The following is an entry in ClinVar:

NM_000828.5(GRIA3):c.2337C>A (p.Asn779Lys)

Gene: GRIA3 (glutamate ionotropic receptor AMPA type subunit 3; plus strand). Cytogenetic location: Xq25.
Variant type: single nucleotide variant.
Coding change: c.2337C>A on transcript NM_000828.5 (MANE Plus Clinical); coding-DNA position 2337, C replaced by A.
Protein change: p.Asn779Lys; replaces asparagine 779 with lysine.
Molecular consequence: missense variant. On other transcripts: intron variant (1).
Genome position (GRCh38, 1-based): chrX:123,465,686, C>A. VCF-style: chrX-123465686-C-A. GRCh37 (hg19) VCF-style: chrX-122599537-C-A.
Other names: c.2324+574C>A (NM_007325.5); short protein forms N779K.
Identifiers: ClinVar variation 1703156 (VCV001703156.3), dbSNP rs2521333698, ClinGen allele CA414265907.

ClinVar aggregate classification (germline): Uncertain significance (1 of 4 stars; one submission).

Submission:

Greenwood Genetic Center Diagnostic Laboratories, Greenwood Genetic Center
Classification: Uncertain significance. Last evaluated: 2022-04-04. Review status: criteria provided, single submitter. Criteria: ACMG Guidelines, 2015. Collection method: clinical testing. Allele origin: germline. Affected: yes.
Comment: PM2, PP2, PP3